The following is an entry in ClinVar:

ClinVar aggregate classification (germline): Uncertain significance. Review status: criteria provided, single submitter (1 of 4 stars). 2 submissions from 2 submitters: Uncertain significance (1). 1 of the submissions does not count toward it. Last evaluated 2022-10-17.

Conditions:
LRBA-related disorder. Also called: LRBA-related condition.
Combined immunodeficiency due to LRBA deficiency. Also called: Common variable immunodeficiency 8, with autoimmunity. Identifiers: Orphanet 445018, MedGen C3553512, MONDO:0013863, OMIM 614700.

Allele frequency attached by ClinVar (database versions not stated): ExAC 0.00001; gnomAD exomes 0.00004 and 0.00020; ESP Exome Variant Server 0.00008; gnomAD 0.00012 and 0.00013; TOPMed 0.00013.
gnomAD v4.1: 303 of 1,612,362 alleles (0.019%); highest among the groups gnomAD compares: Non-Finnish European, 0.024%; no homozygotes.

Submissions (2):

Labcorp Genetics (formerly Invitae), Labcorp
Classification: Uncertain significance for Combined immunodeficiency due to LRBA deficiency. Last evaluated: 2022-10-17. Review status: criteria provided, single submitter. Criteria: Invitae Variant Classification Sherloc (09022015). Collection method: clinical testing. Allele origin: germline.
Comment: This sequence change falls in intron 7 of the LRBA gene. It does not directly change the encoded amino acid sequence of the LRBA protein. It affects a nucleotide within the consensus splice site. This variant is present in population databases (rs375883751, gnomAD 0.01%). This variant has not been reported in the literature in individuals affected with LRBA-related conditions. ClinVar contains an entry for this variant (Variation ID: 664474). Variants that disrupt the consensus splice site are a relatively common cause of aberrant splicing (PMID: 17576681, 9536098). Algorithms developed to predict the effect of sequence changes on RNA splicing suggest that this variant is not likely to affect RNA splicing. In summary, the available evidence is currently insufficient to determine the role of this variant in disease. Therefore, it has been classified as a Variant of Uncertain Significance.

PreventionGenetics, part of Exact Sciences
Classification: Likely benign for LRBA-related condition. Last evaluated: 2019-07-03. Review status: no assertion criteria provided. Collection method: clinical testing. Allele origin: germline. Not counted in ClinVar's aggregate classification.
Comment: This variant is classified as likely benign based on ACMG/AMP sequence variant interpretation guidelines (Richards et al. 2015 PMID: 25741868, with internal and published modifications).

Literature cited by the submitters: PubMed 17576681 (cited by Labcorp Genetics (formerly Invitae), Labcorp); PubMed 9536098 (cited by Labcorp Genetics (formerly Invitae), Labcorp).

NM_001364905.1(LRBA):c.894+6T>C

Gene: LRBA (LPS responsive beige-like anchor protein; minus strand). Cytogenetic location: 4q31.3.
Variant type: single nucleotide variant.
Coding change: c.894+6T>C on transcript NM_001364905.1 (MANE Select); 6 bases into the intron after coding-DNA position 894, T replaced by C.
Molecular consequence: intron variant.
Genome position (GRCh38, 1-based): chr4:150,916,395, A>G on the plus strand (T>C on the coding strand, the complement: LRBA is on the minus strand). VCF-style: chr4-150916395-A-G. GRCh37 (hg19) VCF-style: chr4-151837547-A-G.
Other names: c.894+6T>C (NM_001367550.1, NM_006726.5, NM_001199282.3 and 2 more transcripts).
Identifiers: ClinVar variation 664474 (VCV000664474.9), dbSNP rs375883751, ClinGen allele CA3103744.
Genomic context (GRCh38, chr4:150,916,395, plus strand): 5'-AAAACAAAGCATTTTGATGACTAGCATAGCTTGTTAACATAACTATGACTCAAGAAGATC[A>G]TGTACCTTTTGTGGCTTGAAATCAAATTTCACACAGTGTTGAAAGCCTTTTCCTTTTGAC-3'